The following is an entry in ClinVar:

NM_001040108.2(MLH3):c.3055A>G (p.Ile1019Val)

Gene: MLH3 (mutL homolog 3; minus strand). Cytogenetic location: 14q24.3.
Variant type: single nucleotide variant.
Coding change: c.3055A>G on transcript NM_001040108.2 (MANE Select); coding-DNA position 3055, A replaced by G.
Protein change: p.Ile1019Val; replaces isoleucine 1019 with valine.
Molecular consequence: missense variant.
Genome position (GRCh38, 1-based): chr14:75,046,601, T>C on the plus strand (A>G on the coding strand, the complement: MLH3 is on the minus strand). VCF-style: chr14-75046601-T-C. GRCh37 (hg19) VCF-style: chr14-75513304-T-C.
Other names: c.3055A>G, p.Ile1019Val (NM_014381.3); short protein forms I1019V.
Identifiers: ClinVar variation 4768257 (VCV004768257.1).
Genomic context (GRCh38, chr14:75,046,601, plus strand): 5'-TGTTTGACTCTTCAGTTTCAGAACAAGCTCTTGCTTTAGATTCCTCACTCTGAAAACAAA[T>C]TCCATTTTGGTCACCTGTGGCATCTTCTACCGGATTCATTAACATTCCACTGGGAGAGTC-3'
Protein context (NP_001035197.1, residues 1009-1029): VEDATGDQNG[Ile1019Val]CFQSEESKAR

ClinVar aggregate classification (germline): Uncertain significance (1 of 4 stars; one submission).

Conditions:
Colorectal cancer, hereditary nonpolyposis, type 7. Identifiers: Orphanet 144, MedGen C1858380, MONDO:0013725, OMIM 614385.

Submission:

Labcorp Genetics (formerly Invitae), Labcorp
Classification: Uncertain significance for Colorectal cancer, hereditary nonpolyposis, type 7. Last evaluated: 2025-02-05. Review status: criteria provided, single submitter. Criteria: Invitae Variant Classification Sherloc (09022015). Collection method: clinical testing. Allele origin: germline.
Comment: This sequence change replaces isoleucine, which is neutral and non-polar, with valine, which is neutral and non-polar, at codon 1019 of the MLH3 protein (p.Ile1019Val). This variant is not present in population databases (gnomAD no frequency). This variant has not been reported in the literature in individuals affected with MLH3-related conditions. An algorithm developed to predict the effect of missense changes on protein structure and function outputs the following: PolyPhen-2: "Benign". The valine amino acid residue is found in multiple mammalian species, which suggests that this missense change does not adversely affect protein function. In summary, the available evidence is currently insufficient to determine the role of this variant in disease. Therefore, it has been classified as a Variant of Uncertain Significance.